The following is an entry in ClinVar:

NM_139318.5(KCNH5):c.2839G>A (p.Val947Ile)

Gene: KCNH5 (potassium voltage-gated channel subfamily H member 5; minus strand). Cytogenetic location: 14q23.2.
Variant type: single nucleotide variant.
Coding change: c.2839G>A on transcript NM_139318.5 (MANE Select); coding-DNA position 2839, G replaced by A.
Protein change: p.Val947Ile; replaces valine 947 with isoleucine.
Molecular consequence: missense variant. On other transcripts: 3 prime UTR variant (1).
Genome position (GRCh38, 1-based): chr14:62,707,636, C>T on the plus strand (G>A on the coding strand, the complement: KCNH5 is on the minus strand). VCF-style: chr14-62707636-C-T. GRCh37 (hg19) VCF-style: chr14-63174354-C-T.
Other names: c.*806G>A (NM_172375.3); short protein forms V947I.
Identifiers: ClinVar variation 3716508 (VCV003716508.2).

ClinVar aggregate classification (germline): Uncertain significance (1 of 4 stars; one submission).

Conditions:
Early-infantile DEE. Also called: Ohtahara syndrome; Early infantile epileptic encephalopathy with suppression bursts; Early infantile epileptic encephalopathy. Identifiers: Orphanet 1934, MedGen C0393706, MONDO:0800491.

gnomAD v4.1: 73 of 1,579,660 alleles (0.0046%); highest among the groups gnomAD compares: Middle Eastern, 0.034%; no homozygotes.

Submission:

Labcorp Genetics (formerly Invitae), Labcorp
Classification: Uncertain significance for Early-infantile DEE. Last evaluated: 2024-11-22. Review status: criteria provided, single submitter. Criteria: Invitae Variant Classification Sherloc (09022015). Collection method: clinical testing. Allele origin: germline.
Comment: This sequence change replaces valine, which is neutral and non-polar, with isoleucine, which is neutral and non-polar, at codon 947 of the KCNH5 protein (p.Val947Ile). This variant is present in population databases (rs760426989, gnomAD 0.005%). This variant has not been reported in the literature in individuals affected with KCNH5-related conditions. Invitae Evidence Modeling of protein sequence and biophysical properties (such as structural, functional, and spatial information, amino acid conservation, physicochemical variation, residue mobility, and thermodynamic stability) indicates that this missense variant is not expected to disrupt KCNH5 protein function with a negative predictive value of 95%. In summary, the available evidence is currently insufficient to determine the role of this variant in disease. Therefore, it has been classified as a Variant of Uncertain Significance.